The following is an entry in ClinVar:

ClinVar aggregate classification (germline): Uncertain significance (1 of 4 stars; one submission).

Conditions:
Neurofibromatosis, type 1 (NF1). Also called: VON RECKLINGHAUSEN DISEASE; Peripheral type neurofibromatosis; NEUROFIBROMATOSIS, TYPE I, SOMATIC; Neurofibromatosis, type I. Identifiers: Orphanet 636, MedGen C0027831, MONDO:0018975, OMIM 162200. Disease mechanism: loss of function.

Submission:

Labcorp Genetics (formerly Invitae), Labcorp
Classification: Uncertain significance for Neurofibromatosis, type 1. Last evaluated: 2024-03-28. Review status: criteria provided, single submitter. Criteria: Invitae Variant Classification Sherloc (09022015). Collection method: clinical testing. Allele origin: germline.
Comment: This sequence change replaces proline, which is neutral and non-polar, with threonine, which is neutral and polar, at codon 1412 of the NF1 protein (p.Pro1412Thr). This variant is not present in population databases (gnomAD no frequency). This variant has not been reported in the literature in individuals affected with NF1-related conditions. Advanced modeling of protein sequence and biophysical properties (such as structural, functional, and spatial information, amino acid conservation, physicochemical variation, residue mobility, and thermodynamic stability) has been performed at Invitae for this missense variant, however the output from this modeling did not meet the statistical confidence thresholds required to predict the impact of this variant on NF1 protein function. In summary, the available evidence is currently insufficient to determine the role of this variant in disease. Therefore, it has been classified as a Variant of Uncertain Significance.

NM_001042492.3(NF1):c.4297C>A (p.Pro1433Thr)

Gene: NF1 (neurofibromin 1; plus strand). Cytogenetic location: 17q11.2.
Variant type: single nucleotide variant.
Coding change: c.4297C>A on transcript NM_001042492.3 (MANE Select); coding-DNA position 4297, C replaced by A.
Protein change: p.Pro1433Thr; replaces proline 1433 with threonine.
Molecular consequence: missense variant.
Genome position (GRCh38, 1-based): chr17:31,258,467, C>A. VCF-style: chr17-31258467-C-A. GRCh37 (hg19) VCF-style: chr17-29585485-C-A.
Other names: c.4234C>A, p.Pro1412Thr (NM_000267.4); short protein forms P1412T, P1433T.
Identifiers: ClinVar variation 3634551 (VCV003634551.2).
Genomic context (GRCh38, chr17:31,258,467, plus strand): 5'-TTTATCAATCCTGCCATTGTCTCACCGTATGAAGCAGGGATTTTAGATAAAAAGCCACCA[C>A]CTAGAATCGAAAGGGGCTTGAAGTTAATGTCAAAGGTGAATTATTTTGATAATCTAGCTA-3'
Protein context (NP_001035957.1, residues 1423-1443): EAGILDKKPP[Pro1433Thr]RIERGLKLMS